The following is an entry in ClinVar:

ClinVar aggregate classification (germline): Uncertain significance (1 of 4 stars; one submission).

Conditions:
Autosomal dominant nocturnal frontal lobe epilepsy 5. Also called: CILIARY DYSKINESIA, PRIMARY, 28, WITH SITUS INVERSUS; CILIARY DYSKINESIA, PRIMARY, 28, WITHOUT SITUS INVERSUS; KCNT1-Related Epilepsy; Epilepsy, nocturnal frontal lobe, 5. Identifiers: Orphanet 98784, MedGen C3554306, MONDO:0014002, OMIM 615005.
Developmental and epileptic encephalopathy, 14 (DEE14). Also called: Early infantile epileptic encephalopathy 14. Identifiers: Orphanet 293181, MedGen C3554195, MONDO:0013989, OMIM 614959.

Submission:

Labcorp Genetics (formerly Invitae), Labcorp
Classification: Uncertain significance for Autosomal dominant nocturnal frontal lobe epilepsy 5; Developmental and epileptic encephalopathy, 14. Last evaluated: 2022-08-19. Review status: criteria provided, single submitter. Criteria: Invitae Variant Classification Sherloc (09022015). Collection method: clinical testing. Allele origin: germline.
Comment: In summary, the available evidence is currently insufficient to determine the role of this variant in disease. Therefore, it has been classified as a Variant of Uncertain Significance. This variant has not been reported in the literature in individuals affected with KCNT1-related conditions. This variant is present in population databases (rs755838122, gnomAD 0.003%). This variant, c.2734_2745dup, results in the insertion of 4 amino acid(s) of the KCNT1 protein (p.Phe912_Leu915dup), but otherwise preserves the integrity of the reading frame.

NM_020822.3(KCNT1):c.2734_2745dup (p.Leu915_Ser916insPheProSerLeu)

Gene: KCNT1 (potassium sodium-activated channel subfamily T member 1; plus strand). Cytogenetic location: 9q34.3.
Variant type: Duplication.
Coding change: c.2734_2745dup on transcript NM_020822.3 (MANE Select); coding-DNA positions 2734 to 2745, 12 bases duplicated (TTCCCCAGCCTC).
Protein change: p.Leu915_Ser916insPheProSerLeu.
Molecular consequence: inframe insertion.
Genome position (GRCh38, 1-based): chr9:135,779,363-135,779,374, TTCCCCAGCCTC duplicated; duplicating any 12 consecutive bases within chr9:135,779,360-135,779,374 gives the same sequence; the c. name uses the placement nearest the transcript's 3' end. VCF-style (leftmost placement, unchanged base first): chr9-135779359-G-GCTCTTCCCCAGC. GRCh37 (hg19) VCF-style: chr9-138671205-G-GCTCTTCCCCAGC.
Other names: c.2599_2610dup, p.Leu870_Ser871insPheProSerLeu (NM_001272003.2).
Identifiers: ClinVar variation 2024755 (VCV002024755.4), dbSNP rs755838122, ClinGen allele CA5327444.